The following is an entry in ClinVar:

ClinVar aggregate classification (germline): Benign (0 of 4 stars; one submission).

Conditions:
PPP1R9A-related disorder. Also called: PPP1R9A-related condition.

Allele frequency attached by ClinVar (database versions not stated): 1000 Genomes Project 0.00359; 1000 Genomes Project 30x 0.00390; TOPMed 0.00694; gnomAD 0.00895; ESP Exome Variant Server 0.00952; gnomAD exomes 0.01113; ExAC 0.01503.
gnomAD v4.1: 16,964 of 1,560,982 alleles (1.1%); highest among the groups gnomAD compares: Non-Finnish European, 1.2%; 120 homozygotes.

Submissions (10):

PreventionGenetics, part of Exact Sciences
Classification: Benign for PPP1R9A-related condition. Last evaluated: 2019-04-02. Review status: no assertion criteria provided. Collection method: clinical testing. Allele origin: germline.
Comment: This variant is classified as benign based on ACMG/AMP sequence variant interpretation guidelines (Richards et al. 2015 PMID: 25741868, with internal and published modifications).

Dr. Peter K. Rogan Lab, Western University
No classification provided (evidence only). Condition: Clear cell carcinoma of kidney. Review status: no classification provided. Collection method: in vitro. Allele origin: not applicable. Functional consequence: retained intron. Not counted in ClinVar's aggregate classification.

Dr. Peter K. Rogan Lab, Western University
No classification provided (evidence only). Condition: Lung cancer. Review status: no classification provided. Collection method: in vitro. Allele origin: not applicable. Functional consequence: retained intron. Not counted in ClinVar's aggregate classification.

Dr. Peter K. Rogan Lab, Western University
No classification provided (evidence only). Condition: Thymoma. Review status: no classification provided. Collection method: in vitro. Allele origin: not applicable. Functional consequence: retained intron. Not counted in ClinVar's aggregate classification.

Dr. Peter K. Rogan Lab, Western University
No classification provided (evidence only). Condition: Thymoma. Review status: no classification provided. Collection method: in vitro. Allele origin: not applicable. Functional consequence: retained intron. Not counted in ClinVar's aggregate classification.

Dr. Peter K. Rogan Lab, Western University
No classification provided (evidence only). Condition: Ovarian serous cystadenocarcinoma. Review status: no classification provided. Collection method: in vitro. Allele origin: not applicable. Functional consequence: retained intron. Not counted in ClinVar's aggregate classification.

Dr. Peter K. Rogan Lab, Western University
No classification provided (evidence only). Condition: Ovarian serous cystadenocarcinoma. Review status: no classification provided. Collection method: in vitro. Allele origin: not applicable. Functional consequence: retained intron. Not counted in ClinVar's aggregate classification.

Dr. Peter K. Rogan Lab, Western University
No classification provided (evidence only). Condition: Ovarian serous cystadenocarcinoma. Review status: no classification provided. Collection method: in vitro. Allele origin: not applicable. Functional consequence: retained intron. Not counted in ClinVar's aggregate classification.

Dr. Peter K. Rogan Lab, Western University
No classification provided (evidence only). Condition: Malignant tumor of esophagus. Review status: no classification provided. Collection method: in vitro. Allele origin: not applicable. Functional consequence: retained intron. Not counted in ClinVar's aggregate classification.

Dr. Peter K. Rogan Lab, Western University
No classification provided (evidence only). Condition: Malignant tumor of esophagus. Review status: no classification provided. Collection method: in vitro. Allele origin: not applicable. Functional consequence: retained intron. Not counted in ClinVar's aggregate classification.

NM_001166160.2(PPP1R9A):c.3293G>A (p.Ser1098Asn)

Gene: PPP1R9A (protein phosphatase 1 regulatory subunit 9A; plus strand). Cytogenetic location: 7q21.3.
Variant type: single nucleotide variant.
Coding change: c.3293G>A on transcript NM_001166160.2 (MANE Select); coding-DNA position 3293, G replaced by A.
Protein change: p.Ser1098Asn; replaces serine 1098 with asparagine.
Molecular consequence: missense variant. On other transcripts: intron variant (2).
Genome position (GRCh38, 1-based): chr7:95,274,165, G>A. VCF-style: chr7-95274165-G-A. GRCh37 (hg19) VCF-style: chr7-94903477-G-A.
Other names: NC_000007.13:g.94903477G>A; c.3173G>A, p.Ser1058Asn (NM_001166161.1); c.3227G>A, p.Ser1076Asn (NM_001166162.1); c.2757+5458G>A (NM_017650.3, NM_001166163.1); short protein forms S1058N, S1076N, S1098N.
Identifiers: ClinVar variation 3041179 (VCV003041179.3), dbSNP rs61749905, ClinGen allele CA4349891.